The following is an entry in ClinVar:

ClinVar aggregate classification (germline): Uncertain significance. Review status: criteria provided, multiple submitters, no conflicts (2 of 4 stars). 2 submissions from 2 submitters: Uncertain significance (2). Last evaluated 2025-06-12.

Conditions:
ITPR1-related disorder. Also called: ITPR1-related condition.

gnomAD v4.1: 4 of 1,614,020 alleles (0.00025%); highest among the groups gnomAD compares: Non-Finnish European, 0.00034%; no homozygotes.

Submissions (2):

PreventionGenetics, part of Exact Sciences
Classification: Uncertain significance for ITPR1-related condition. Last evaluated: 2025-06-12. Review status: criteria provided, single submitter. Criteria: ACMG Guidelines, 2015. Collection method: clinical testing. Allele origin: germline.
Comment: The ITPR1 c.4040A>G variant is predicted to result in the amino acid substitution p.Glu1347Gly. To our knowledge, this variant has not been reported in the literature. This variant is reported in 0.0018% of alleles in individuals of European (Non-Finnish) descent in gnomAD. At this time, the clinical significance of this variant is uncertain due to the absence of conclusive functional and genetic evidence.

GeneDx
Classification: Uncertain significance. Last evaluated: 2023-07-10. Review status: criteria provided, single submitter. Criteria: GeneDx Variant Classification Process June 2021. Collection method: clinical testing. Allele origin: germline. Affected: yes.
Comment: In silico analysis supports that this missense variant has a deleterious effect on protein structure/function; Has not been previously published as pathogenic or benign to our knowledge

NM_001378452.1(ITPR1):c.4112A>G (p.Glu1371Gly)

Gene: ITPR1 (inositol 1,4,5-trisphosphate receptor type 1; plus strand). Cytogenetic location: 3p26.1.
Variant type: single nucleotide variant.
Coding change: c.4112A>G on transcript NM_001378452.1 (MANE Select); coding-DNA position 4112, A replaced by G.
Protein change: p.Glu1371Gly; replaces glutamic acid 1371 with glycine.
Molecular consequence: missense variant.
Genome position (GRCh38, 1-based): chr3:4,693,572, A>G. VCF-style: chr3-4693572-A-G. GRCh37 (hg19) VCF-style: chr3-4735256-A-G.
Other names: c.4085A>G, p.Glu1362Gly (NM_001099952.4); c.4067A>G, p.Glu1356Gly (NM_001168272.2); c.4040A>G, p.Glu1347Gly (NM_002222.7); short protein forms E1347G, E1356G, E1362G, E1371G.
Identifiers: ClinVar variation 3360877 (VCV003360877.2).
Genomic context (GRCh38, chr3:4,693,572, plus strand): 5'-TCCTCGTGTTCTACAACGACAGAGCCTCTTTCCAGACTCTGATCCAGATGATGCGGTCAG[A>G]ACGGGATCGGATGGATGAGAACAGCCCTCTCATGTACCACATCCACTTGGTCGAGCTCCT-3'
Protein context (NP_001365381.1, residues 1361-1381): FQTLIQMMRS[Glu1371Gly]RDRMDENSPL